The following is an entry in ClinVar:

NM_001093.4(ACACB):c.4125C>T (p.Phe1375=)

Gene: ACACB (acetyl-CoA carboxylase beta; plus strand). Cytogenetic location: 12q24.11.
Variant type: single nucleotide variant.
Coding change: c.4125C>T on transcript NM_001093.4 (MANE Select); coding-DNA position 4125, C replaced by T.
Protein change: p.Phe1375=; no amino-acid change (phenylalanine 1375 retained).
Molecular consequence: synonymous variant.
Genome position (GRCh38, 1-based): chr12:109,232,792, C>T. VCF-style: chr12-109232792-C-T. GRCh37 (hg19) VCF-style: chr12-109670597-C-T.
Other names: c.4125C>T, p.Phe1375= (NM_001412734.1, NM_001412735.1); c.3519C>T, p.Phe1173= (NM_001412736.1, NM_001412739.1); c.3498C>T, p.Phe1166= (NM_001412737.1); c.3330C>T, p.Phe1110= (NM_001412738.1).
Identifiers: ClinVar variation 3048560 (VCV003048560.2), dbSNP rs137881698, ClinGen allele CA6774252.

ClinVar aggregate classification (germline): Likely benign (0 of 4 stars; one submission).

Conditions:
ACACB-related disorder. Also called: ACACB-related condition.

Allele frequency attached by ClinVar (database versions not stated): ExAC 0.00021; 1000 Genomes Project 0.00060; TOPMed 0.00060; gnomAD 0.00061; 1000 Genomes Project 30x 0.00062; ESP Exome Variant Server 0.00069.
gnomAD v4.1: 188 of 1,614,100 alleles (0.012%); highest among the groups gnomAD compares: African/African-American, 0.2%; no homozygotes.

Submission:

PreventionGenetics, part of Exact Sciences
Classification: Likely benign for ACACB-related condition. Last evaluated: 2022-09-18. Review status: no assertion criteria provided. Collection method: clinical testing. Allele origin: germline.
Comment: This variant is classified as likely benign based on ACMG/AMP sequence variant interpretation guidelines (Richards et al. 2015 PMID: 25741868, with internal and published modifications).